The following is an entry in ClinVar:

NM_001271838.2(RSRC1):c.495-2A>G

Gene: RSRC1 (arginine and serine rich coiled-coil 1; plus strand). Cytogenetic location: 3q25.32.
Variant type: single nucleotide variant.
Coding change: c.495-2A>G on transcript NM_001271838.2 (MANE Select); the canonical splice acceptor site of the intron before coding-DNA position 495, A replaced by G.
Molecular consequence: splice acceptor variant.
Genome position (GRCh38, 1-based): chr3:158,298,037, A>G. VCF-style: chr3-158298037-A-G. GRCh37 (hg19) VCF-style: chr3-158015826-A-G.
Other names: c.495-2A>G (NM_016625.4); c.321-2A>G (NM_001271834.2).
Identifiers: ClinVar variation 985669 (VCV000985669.6), dbSNP rs1727334508, ClinGen allele CA355237374.

ClinVar aggregate classification (germline): Pathogenic (1 of 4 stars; one submission).

Conditions:
Intellectual developmental disorder, autosomal recessive 70. Also called: MENTAL RETARDATION, AUTOSOMAL RECESSIVE 70. Identifiers: MedGen C5193077, MONDO:0032729, OMIM 618402.
Inborn genetic diseases. Identifiers: MedGen C0950123, MeSH D030342.

Allele frequency attached by ClinVar (database versions not stated): gnomAD exomes below 0.00001.
gnomAD v4.1: 1 of 1,599,762 alleles (0.000063%); highest among the groups gnomAD compares: South Asian, 0.0011%; no homozygotes.

Submission:

Ambry Genetics
Classification: Pathogenic for Inborn genetic diseases. Last evaluated: 2020-12-01. Review status: criteria provided, single submitter. Criteria: Ambry Variant Classification Scheme 2023. Collection method: clinical testing. Allele origin: germline.
Comment: The c.495-2A>G intronic alteration consists of a A to G substitution two nucleotides before exon 5 (coding exon 4) of the RSRC1 gene. Alterations that disrupt the canonical splice site are expected to cause aberrant splicing, resulting in an abnormal protein or a transcript that is subject to nonsense-mediated mRNA decay. Based on data from the Genome Aggregation Database (gnomAD), the RSRC1 c.495-2A>G alteration was not observed, with coverage at this position. The c.495-2A nucleotide is conserved in available vertebrate species. In silico splice site analysis predicts that this alteration will weaken the native splice acceptor site. Based on the available evidence, this alteration is classified as pathogenic.